The following is an entry in ClinVar:

NM_001205293.3(CACNA1E):c.6007C>T (p.Arg2003Cys)

Gene: CACNA1E (calcium voltage-gated channel subunit alpha1 E; plus strand). Cytogenetic location: 1q25.3.
Variant type: single nucleotide variant.
Coding change: c.6007C>T on transcript NM_001205293.3 (MANE Select); coding-DNA position 6007, C replaced by T.
Protein change: p.Arg2003Cys; replaces arginine 2003 with cysteine.
Molecular consequence: missense variant. On other transcripts: intron variant (2).
Genome position (GRCh38, 1-based): chr1:181,793,773, C>T. VCF-style: chr1-181793773-C-T. GRCh37 (hg19) VCF-style: chr1-181762909-C-T.
Other names: c.5899-1091C>T (NM_000721.4); c.5842-1091C>T (NM_001205294.2); short protein forms R2003C.
Identifiers: ClinVar variation 2375303 (VCV002375303.6), dbSNP rs150740651, ClinGen allele CA1276277.

ClinVar aggregate classification (germline): Likely benign. Review status: criteria provided, multiple submitters, no conflicts (2 of 4 stars). 2 submissions from 2 submitters: Likely benign (2). Last evaluated 2026-04-01.

Conditions:
Inborn genetic diseases. Identifiers: MedGen C0950123, MeSH D030342.

Allele frequency attached by ClinVar (database versions not stated): gnomAD exomes 0.00002; gnomAD 0.00003; TOPMed 0.00005; ExAC 0.00007; 1000 Genomes Project 30x 0.00016; 1000 Genomes Project 0.00020.
gnomAD v4.1: 29 of 1,611,552 alleles (0.0018%); highest among the groups gnomAD compares: Admixed American, 0.022%; no homozygotes.

Submissions (2):

CeGaT Center for Human Genetics Tuebingen
Classification: Likely benign. Last evaluated: 2026-04-01. Review status: criteria provided, single submitter. Criteria: CeGaT Center For Human Genetics Tuebingen Variant Classification Criteria Version 2. Collection method: clinical testing. Allele origin: germline. Affected: yes. Observed: 2 variant alleles.
Comment: CACNA1E: BS2

Ambry Genetics
Classification: Likely benign for Inborn genetic diseases. Last evaluated: 2022-01-31. Review status: criteria provided, single submitter. Criteria: Ambry Variant Classification Scheme 2023. Collection method: clinical testing. Allele origin: germline.